The following is an entry in ClinVar:

NM_001378454.1(ALMS1):c.3812C>A (p.Pro1271Gln)

Gene: ALMS1 (ALMS1 centrosome and basal body associated protein; plus strand). Cytogenetic location: 2p13.1.
Variant type: single nucleotide variant.
Coding change: c.3812C>A on transcript NM_001378454.1 (MANE Select); coding-DNA position 3812, C replaced by A.
Protein change: p.Pro1271Gln; replaces proline 1271 with glutamine.
Molecular consequence: missense variant.
Genome position (GRCh38, 1-based): chr2:73,450,339, C>A. VCF-style: chr2-73450339-C-A. GRCh37 (hg19) VCF-style: chr2-73677466-C-A.
Other names: c.3815C>A, p.Pro1272Gln (NM_015120.4); short protein forms P1272Q, P1271Q.
Identifiers: ClinVar variation 529367 (VCV000529367.18), dbSNP rs372563916, ClinGen allele CA1713596.

ClinVar aggregate classification (germline): Conflicting classifications of pathogenicity. Review status: criteria provided, conflicting classifications (1 of 4 stars). 5 submissions from 5 submitters: Uncertain significance (3); Likely benign (2). Last evaluated 2024-12-20.

Conditions:
Monogenic diabetes. Identifiers: Orphanet 183625, MedGen C3888631, MONDO:0015967.
Cardiovascular phenotype. Identifiers: MedGen CN230736.
Alstrom syndrome (ALMS). Identifiers: Orphanet 64, MedGen C0268425, MONDO:0008763, OMIM 203800.

Allele frequency attached by ClinVar (database versions not stated): ExAC 0.00008; gnomAD 0.00016 and 0.00017; ESP Exome Variant Server 0.00025.
gnomAD v4.1: 267 of 1,612,656 alleles (0.017%); highest among the groups gnomAD compares: Non-Finnish European, 0.022%; no homozygotes.

Submissions (5):

GeneDx
Classification: Uncertain significance. Last evaluated: 2024-12-20. Review status: criteria provided, single submitter. Criteria: GeneDx Variant Classification Process June 2021. Collection method: clinical testing. Allele origin: germline. Affected: yes.
Comment: In silico analysis indicates that this missense variant does not alter protein structure/function; Has not been previously published as pathogenic or benign to our knowledge

Ambry Genetics
Classification: Likely benign for Cardiovascular phenotype. Last evaluated: 2024-09-14. Review status: criteria provided, single submitter. Criteria: Ambry Variant Classification Scheme 2023. Collection method: clinical testing. Allele origin: germline.

Labcorp Genetics (formerly Invitae), Labcorp
Classification: Uncertain significance for Alstrom syndrome. Last evaluated: 2022-10-17. Review status: criteria provided, single submitter. Criteria: Invitae Variant Classification Sherloc (09022015). Collection method: clinical testing. Allele origin: germline.
Comment: This sequence change replaces proline, which is neutral and non-polar, with glutamine, which is neutral and polar, at codon 1272 of the ALMS1 protein (p.Pro1272Gln). This variant is present in population databases (rs372563916, gnomAD 0.02%). This variant has not been reported in the literature in individuals affected with ALMS1-related conditions. ClinVar contains an entry for this variant (Variation ID: 529367). Experimental studies and prediction algorithms are not available or were not evaluated, and the functional significance of this variant is currently unknown. In summary, the available evidence is currently insufficient to determine the role of this variant in disease. Therefore, it has been classified as a Variant of Uncertain Significance.

Personalized Diabetes Medicine Program, University of Maryland School of Medicine
Classification: Likely benign for Monogenic diabetes. Last evaluated: 2017-05-22. Review status: criteria provided, single submitter. Criteria: ACMG Guidelines, 2015. Collection method: research. Allele origin: unknown. Observed: 1 variant allele, 1 heterozygote.
Comment: ACMG criteria: BP4 (6 predictors), BP1 (missense in gene with truncating known) = likely benign

Clinical Genomics, Uppaluri K&H Personalized Medicine Clinic
Classification: Uncertain significance for Alstrom syndrome. Review status: criteria provided, single submitter. Criteria: K & H Uppaluri Personalized Medicine Clinic Variant Classification & Assertion Criteria_Updated V.1. Collection method: research. Allele origin: unknown. Inheritance: Autosomal recessive inheritance.
Comment: Potent mutations in ALMS1 are associated with a rare condition called Alstrom syndrome. It can cause excessive eating, insulin resistance. However, no evidence is found to ascertain the role of rs372563916 in Alstrom syndrome yet.

Literature cited by the submitters: PubMed 34148947 (cited by Clinical Genomics, Uppaluri K&H Personalized Medicine Clinic); PubMed 25846608 (cited by Clinical Genomics, Uppaluri K&H Personalized Medicine Clinic); PubMed 30421101 (cited by Clinical Genomics, Uppaluri K&H Personalized Medicine Clinic); PubMed 33669459 (cited by Clinical Genomics, Uppaluri K&H Personalized Medicine Clinic).